The following is an entry in ClinVar:

NM_139319.3(SLC17A8):c.27_30del (p.Phe9fs)

Gene: SLC17A8 (solute carrier family 17 member 8; plus strand). Cytogenetic location: 12q23.1.
Variant type: Deletion.
Coding change: c.27_30del on transcript NM_139319.3 (MANE Select); coding-DNA positions 27 to 30, 4 bases deleted (CAAA; older notation c.27_30delCAAA).
Protein change: p.Phe9fs; shifts the reading frame from phenylalanine 9.
Molecular consequence: frameshift variant.
Genome position (GRCh38, 1-based): chr12:100,357,418-100,357,421, CAAA deleted. VCF-style (leftmost placement, unchanged base first): chr12-100357417-TCAAA-T. GRCh37 (hg19) VCF-style: chr12-100751195-TCAAA-T.
Other names: c.27_30del, p.Phe9fs (NM_001145288.2); c.27_30delCAAA (NM_139319.2); c.27_30del (NM_139319.2); short protein forms F9fs.
Identifiers: ClinVar variation 817730 (VCV000817730.2), dbSNP rs759548310, ClinGen allele CA6738631.

ClinVar aggregate classification (germline): Uncertain significance (1 of 4 stars; one submission).

Allele frequency attached by ClinVar (database versions not stated): ExAC 0.00002; gnomAD exomes 0.00001; TOPMed 0.00001.

Submission:

GeneDx
Classification: Uncertain significance. Last evaluated: 2026-01-13. Review status: criteria provided, single submitter. Criteria: GeneDx Variant Classification Process June 2021. Collection method: clinical testing. Allele origin: germline. Affected: yes.
Comment: Frameshift variant predicted to result in protein truncation or nonsense mediated decay in a gene for which loss of function is a known mechanism of disease; Has not been previously published as pathogenic or benign to our knowledge